The following is an entry in ClinVar:

ClinVar aggregate classification (germline): Uncertain significance (1 of 4 stars; one submission).

Conditions:
Autosomal recessive early-onset Parkinson disease 7. Identifiers: Orphanet 2828, MedGen C1853445, MONDO:0011658, OMIM 606324.

Submission:

Labcorp Genetics (formerly Invitae), Labcorp
Classification: Uncertain significance for Autosomal recessive early-onset Parkinson disease 7. Last evaluated: 2022-03-27. Review status: criteria provided, single submitter. Criteria: Invitae Variant Classification Sherloc (09022015). Collection method: clinical testing. Allele origin: germline.
Comment: Algorithms developed to predict the effect of missense changes on protein structure and function are either unavailable or do not agree on the potential impact of this missense change (SIFT: "Deleterious"; PolyPhen-2: "Probably Damaging"; Align-GVGD: "Class C0"). This sequence change replaces leucine, which is neutral and non-polar, with glutamine, which is neutral and polar, at codon 172 of the PARK7 protein (p.Leu172Gln). This variant is not present in population databases (gnomAD no frequency). This missense change has been observed in individual(s) with PARK7-related conditions (PMID: 27085187). Experimental studies have shown that this missense change affects PARK7 function (PMID: 27085187, 33795807). In summary, the available evidence is currently insufficient to determine the role of this variant in disease. Therefore, it has been classified as a Variant of Uncertain Significance.

Literature cited by the submitters: PubMed 27085187; PubMed 33795807.

NM_007262.5(PARK7):c.515T>A (p.Leu172Gln)

Gene: PARK7 (Parkinsonism associated deglycase; plus strand). Cytogenetic location: 1p36.23.
Variant type: single nucleotide variant.
Coding change: c.515T>A on transcript NM_007262.5 (MANE Select); coding-DNA position 515, T replaced by A.
Protein change: p.Leu172Gln; replaces leucine 172 with glutamine.
Molecular consequence: missense variant.
Genome position (GRCh38, 1-based): chr1:7,984,999, T>A. VCF-style: chr1-7984999-T-A. GRCh37 (hg19) VCF-style: chr1-8045059-T-A.
Other names: c.515T>A, p.Leu172Gln (NM_001123377.2); short protein forms L172Q.
Identifiers: ClinVar variation 2202695 (VCV002202695.4), dbSNP rs1187709511, ClinGen allele CA338167210.